The following is an entry in ClinVar:

NM_005045.4(RELN):c.10016T>C (p.Met3339Thr)

Genes: RELN (reelin; minus strand), SLC26A5-AS1 (SLC26A5 antisense RNA 1; plus strand). Cytogenetic location: 7q22.1.
Variant type: single nucleotide variant.
Coding change: c.10016T>C on transcript NM_005045.4 (MANE Select); coding-DNA position 10016, T replaced by C.
Protein change: p.Met3339Thr; replaces methionine 3339 with threonine.
Molecular consequence: missense variant.
Genome position (GRCh38, 1-based): chr7:103,483,818, A>G on the plus strand (T>C on the coding strand, the complement: RELN is on the minus strand). VCF-style: chr7-103483818-A-G. GRCh37 (hg19) VCF-style: chr7-103124265-A-G.
Other names: c.10016T>C, p.Met3339Thr (NM_173054.3); short protein forms M3339T.
Identifiers: ClinVar variation 167574 (VCV000167574.29), dbSNP rs150638029, ClinGen allele CA234772.

ClinVar aggregate classification (germline): Conflicting classifications of pathogenicity. Review status: criteria provided, conflicting classifications (1 of 4 stars). 8 submissions from 8 submitters: Uncertain significance (5); Benign (1); Likely benign (2). Last evaluated 2026-07-23.

Conditions:
Familial temporal lobe epilepsy 7. Identifiers: Orphanet 101046, MedGen C4225327, MONDO:0014639, OMIM 616436.
Norman-Roberts syndrome (LIS2). Also called: Lissencephaly 2 (Norman-Roberts type). Identifiers: Orphanet 89844, MedGen C0796089, MONDO:0009760, OMIM 257320.
Inborn genetic diseases. Identifiers: MedGen C0950123, MeSH D030342.

Allele frequency attached by ClinVar (database versions not stated): ESP Exome Variant Server 0.00015; gnomAD 0.00019 and 0.00017; gnomAD exomes 0.00002 and 0.00004; ExAC 0.00003; TOPMed 0.00019.
gnomAD v4.1: 58 of 1,613,936 alleles (0.0036%); highest among the groups gnomAD compares: African/African-American, 0.041%; no homozygotes.

Submissions (8):

GeneDx
Classification: Uncertain significance. Last evaluated: 2026-07-23. Review status: criteria provided, single submitter. Criteria: GeneDx Variant Classification Process June 2021. Collection method: clinical testing. Allele origin: germline.
Comment: In silico analysis suggests that this missense variant does not alter protein structure/function; Has not been previously published as pathogenic or benign to our knowledge

CeGaT Center for Human Genetics Tuebingen
Classification: Uncertain significance. Last evaluated: 2025-12-01. Review status: criteria provided, single submitter. Criteria: CeGaT Center For Human Genetics Tuebingen Variant Classification Criteria Version 2. Collection method: clinical testing. Allele origin: germline. Affected: yes. Observed: 2 variant alleles.
Comment: RELN: PM2:Supporting, BP4

Labcorp Genetics (formerly Invitae), Labcorp
Classification: Benign for Familial temporal lobe epilepsy 7; Norman-Roberts syndrome. Last evaluated: 2025-11-05. Review status: criteria provided, single submitter. Criteria: Invitae Variant Classification Sherloc (09022015). Collection method: clinical testing. Allele origin: germline.

Ambry Genetics
Classification: Likely benign for Inborn genetic diseases. Last evaluated: 2024-11-10. Review status: criteria provided, single submitter. Criteria: Ambry Variant Classification Scheme 2023. Collection method: clinical testing. Allele origin: germline.

Women's Health and Genetics/Laboratory Corporation of America, LabCorp
Classification: Uncertain significance. Last evaluated: 2024-10-09. Review status: criteria provided, single submitter. Criteria: LabCorp Variant Classification Summary - May 2015. Collection method: clinical testing. Allele origin: germline.
Comment: Variant summary: RELN c.10016T>C (p.Met3339Thr) results in a non-conservative amino acid change in the encoded protein sequence. Four of five in-silico tools predict a benign effect of the variant on protein function. The variant allele was found at a frequency of 3.6e-05 in 250708 control chromosomes. The available data on variant occurrences in the general population are insufficient to allow any conclusion about variant significance. To our knowledge, no occurrence of c.10016T>C in individuals affected with Epilepsy Familial Temporal Lobe 7 and no experimental evidence demonstrating its impact on protein function have been reported. ClinVar contains an entry for this variant (Variation ID: 167574). Based on the evidence outlined above, the variant was classified as uncertain significance.

Blueprint Genetics
Classification: Likely benign. Last evaluated: 2022-08-18. Review status: criteria provided, single submitter. Criteria: ACMG Guidelines, 2015. Collection method: clinical testing. Allele origin: germline.

Athena Diagnostics
Classification: Uncertain significance. Last evaluated: 2018-06-06. Review status: criteria provided, single submitter. Criteria: Athena Diagnostics Criteria. Collection method: clinical testing. Allele origin: germline.

Eurofins Ntd Llc (ga)
Classification: Uncertain significance. Last evaluated: 2014-02-28. Review status: criteria provided, single submitter. Criteria: EGL Classification Definitions 2015. Collection method: clinical testing. Allele origin: germline. Observed: 1 variant allele, 1 heterozygote.